The following is an entry in ClinVar:

NM_000138.5(FBN1):c.6678del (p.Ser2227fs)

Gene: FBN1 (fibrillin 1; minus strand). Cytogenetic location: 15q21.1.
Variant type: Deletion.
Coding change: c.6678del on transcript NM_000138.5 (MANE Select); coding-DNA position 6678, one base deleted (G; older notation c.6678delG).
Protein change: p.Ser2227fs; shifts the reading frame from serine 2227.
Molecular consequence: frameshift variant.
Genome position (GRCh38, 1-based): chr15:48,432,927, C deleted on the plus strand (G on the coding strand, the reverse complement: FBN1 is on the minus strand); the first of 3 consecutive C bases (chr15:48,432,927-48,432,929); deleting any one gives the same sequence. VCF-style (leftmost placement, unchanged base first): chr15-48432926-AC-A. GRCh37 (hg19) VCF-style: chr15-48725123-AC-A.
Other names: short protein forms S2227fs.
Identifiers: ClinVar variation 1394493 (VCV001394493.6), dbSNP rs2141235101, ClinGen allele CA2573150976.
Genomic context (GRCh38, chr15:48,432,926, plus strand): 5'-CTTTGCACATCCTACGGTCTTCTCTGAGCACATATCCCACGGGACATTTGCATTCATATG[AC>A]CCATAAGTGTTCACACATCGGAAGGCACAGAGCAGAGGATTCTGGGCACATTCATTTATA-3'

ClinVar aggregate classification (germline): Pathogenic (1 of 4 stars; one submission).

Conditions:
Marfan syndrome (MFS). Also called: Marfan syndrome type 1; Marfan's syndrome; FBN1-Related Marfan Syndrome; MARFAN SYNDROME, TYPE I; Marfan syndrome, classic. Identifiers: Orphanet 284963, Orphanet 558, MedGen C0024796, MONDO:0007947, OMIM 154700.
Familial thoracic aortic aneurysm and aortic dissection (TAAD). Also called: Thoracic aortic aneurysms and dissections. Identifiers: Orphanet 91387, MedGen C4707243, MONDO:0019625.

Submission:

Labcorp Genetics (formerly Invitae), Labcorp
Classification: Pathogenic for Marfan syndrome; Familial thoracic aortic aneurysm and aortic dissection. Last evaluated: 2025-08-04. Review status: criteria provided, single submitter. Criteria: Invitae Variant Classification Sherloc (09022015). Collection method: clinical testing. Allele origin: germline.
Comment: This sequence change creates a premature translational stop signal (p.Ser2227Hisfs*64) in the FBN1 gene. It is expected to result in an absent or disrupted protein product. Loss-of-function variants in FBN1 are known to be pathogenic (PMID: 17657824, 19293843). This variant is not present in population databases (gnomAD no frequency). This variant has not been reported in the literature in individuals affected with FBN1-related conditions. ClinVar contains an entry for this variant (Variation ID: 1394493). For these reasons, this variant has been classified as Pathogenic.

Literature cited by the submitters: PubMed 17657824; PubMed 19293843.